The following is an entry in ClinVar:

ClinVar aggregate classification (germline): Likely pathogenic (1 of 4 stars; one submission).

Conditions:
Werner syndrome (WRN). Identifiers: Orphanet 902, MedGen C0043119, MONDO:0010196, OMIM 277700.

Submission:

Labcorp Genetics (formerly Invitae), Labcorp
Classification: Likely pathogenic for Werner syndrome. Last evaluated: 2023-11-04. Review status: criteria provided, single submitter. Criteria: Invitae Variant Classification Sherloc (09022015). Collection method: clinical testing. Allele origin: germline.
Comment: This sequence change affects a donor splice site in intron 31 of the WRN gene. It is expected to disrupt RNA splicing. Variants that disrupt the donor or acceptor splice site typically lead to a loss of protein function (PMID: 16199547), and loss-of-function variants in WRN are known to be pathogenic (PMID: 16673358). This variant is not present in population databases (gnomAD no frequency). This variant has not been reported in the literature in individuals affected with WRN-related conditions. Algorithms developed to predict the effect of sequence changes on RNA splicing suggest that this variant may disrupt the consensus splice site. In summary, the currently available evidence indicates that the variant is pathogenic, but additional data are needed to prove that conclusively. Therefore, this variant has been classified as Likely Pathogenic.

Literature cited by the submitters: PubMed 16199547; PubMed 16673358.

NM_000553.6(WRN):c.3687+2T>C

Gene: WRN (WRN RecQ like helicase; plus strand). Cytogenetic location: 8p12.
Variant type: single nucleotide variant.
Coding change: c.3687+2T>C on transcript NM_000553.6 (MANE Select); the canonical splice donor site of the intron after coding-DNA position 3687, T replaced by C.
Molecular consequence: splice donor variant.
Genome position (GRCh38, 1-based): chr8:31,150,457, T>C. VCF-style: chr8-31150457-T-C. GRCh37 (hg19) VCF-style: chr8-31007973-T-C.
Identifiers: ClinVar variation 2786618 (VCV002786618.3), dbSNP rs2536049982, ClinGen allele CA370928263.